The following is an entry in ClinVar:

ClinVar aggregate classification (germline): Uncertain significance. Review status: criteria provided, multiple submitters, no conflicts (2 of 4 stars). 4 submissions from 4 submitters: Uncertain significance (4). Last evaluated 2024-11-21.

Conditions:
Chudley-McCullough syndrome (CMCS). Also called: DEAFNESS, SENSORINEURAL, WITH PARTIAL AGENESIS OF THE CORPUS CALLOSUM AND ARACHNOID CYSTS; Deafness, autosomal recessive 82. Identifiers: Orphanet 314597, MedGen C1858695, MONDO:0011411, OMIM 604213.

Allele frequency attached by ClinVar (database versions not stated): TOPMed 0.00011; ESP Exome Variant Server 0.00015; ExAC 0.00016.
gnomAD v4.1: 301 of 1,613,290 alleles (0.019%); highest among the groups gnomAD compares: Non-Finnish European, 0.023%; no homozygotes.

Submissions (4):

Blueprint Genetics
Classification: Uncertain significance. Last evaluated: 2024-11-21. Review status: criteria provided, single submitter. Criteria: ACMG Guidelines, 2015. Collection method: clinical testing. Allele origin: germline.

Labcorp Genetics (formerly Invitae), Labcorp
Classification: Uncertain significance. Last evaluated: 2022-05-07. Review status: criteria provided, single submitter. Criteria: Invitae Variant Classification Sherloc (09022015). Collection method: clinical testing. Allele origin: germline.
Comment: This sequence change replaces aspartic acid, which is acidic and polar, with glutamic acid, which is acidic and polar, at codon 594 of the GPSM2 protein (p.Asp594Glu). This variant is present in population databases (rs142453358, gnomAD 0.03%). This variant has not been reported in the literature in individuals affected with GPSM2-related conditions. ClinVar contains an entry for this variant (Variation ID: 1196149). Algorithms developed to predict the effect of missense changes on protein structure and function output the following: SIFT: "Deleterious"; PolyPhen-2: "Benign"; Align-GVGD: "Class C0". The glutamic acid amino acid residue is found in multiple mammalian species, which suggests that this missense change does not adversely affect protein function. In summary, the available evidence is currently insufficient to determine the role of this variant in disease. Therefore, it has been classified as a Variant of Uncertain Significance.

GeneDx
Classification: Uncertain significance. Last evaluated: 2022-03-07. Review status: criteria provided, single submitter. Criteria: GeneDx Variant Classification Process June 2021. Collection method: clinical testing. Allele origin: germline. Affected: yes.
Comment: In silico analysis, which includes protein predictors and evolutionary conservation, supports that this variant does not alter protein structure/function; Has not been previously published as pathogenic or benign to our knowledge

Department of Pathology and Laboratory Medicine, Sinai Health System
Classification: Uncertain significance for Chudley-McCullough syndrome. Last evaluated: 2021-07-30. Review status: criteria provided, single submitter. Criteria: ACMG Guidelines, 2015. Collection method: research. Allele origin: germline.

NM_013296.5(GPSM2):c.1782T>G (p.Asp594Glu)

Gene: GPSM2 (G protein signaling modulator 2; plus strand). Cytogenetic location: 1p13.3.
Variant type: single nucleotide variant.
Coding change: c.1782T>G on transcript NM_013296.5 (MANE Select); coding-DNA position 1782, T replaced by G.
Protein change: p.Asp594Glu; replaces aspartic acid 594 with glutamic acid.
Molecular consequence: missense variant.
Genome position (GRCh38, 1-based): chr1:108,924,181, T>G. VCF-style: chr1-108924181-T-G. GRCh37 (hg19) VCF-style: chr1-109466803-T-G.
Other names: c.1782T>G, p.Asp594Glu (NM_001321038.2, NM_001321039.3); short protein forms D594E.
Identifiers: ClinVar variation 1196149 (VCV001196149.8), dbSNP rs142453358, ClinGen allele CA983171.
Genomic context (GRCh38, chr1:108,924,181, plus strand): 5'-AACACAAAACAGCCAGTCGGTACTTAGCCACCTGATGACTAATGACAACAAAGAGGCTGA[T>G]GAAGATTTCTTTGACATCCTTGTAAAATGTCAAGTATGTCTGTATATTTTTTTCGTTCTG-3'
Protein context (NP_037428.3, residues 584-604): HLMTNDNKEA[Asp594Glu]EDFFDILVKC